The following is an entry in ClinVar:

NM_001378615.1(CC2D2A):c.4535G>A (p.Arg1512Lys)

Genes: CC2D2A (coiled-coil and C2 domain containing 2A; plus strand), FBXL5 (F-box and leucine rich repeat protein 5; minus strand). Cytogenetic location: 4p15.32.
Variant type: single nucleotide variant.
Coding change: c.4535G>A on transcript NM_001378615.1 (MANE Select); coding-DNA position 4535, G replaced by A.
Protein change: p.Arg1512Lys; replaces arginine 1512 with lysine.
Molecular consequence: missense variant.
Genome position (GRCh38, 1-based): chr4:15,599,567, G>A. VCF-style: chr4-15599567-G-A. GRCh37 (hg19) VCF-style: chr4-15601190-G-A.
Other names: c.4535G>A, p.Arg1512Lys (NM_001080522.2); c.4388G>A, p.Arg1463Lys (NM_001378617.1); short protein forms R1512K, R1463K.
Identifiers: ClinVar variation 4997372 (VCV004997372.1).

ClinVar aggregate classification (germline): Uncertain significance (1 of 4 stars; one submission).

Conditions:
CC2D2A-related disorder. Also called: CC2D2A-related condition; CC2D2A-related disorders. Identifiers: MedGen CN239313.

gnomAD v4.1: 2 of 1,595,008 alleles (0.00013%); highest among the groups gnomAD compares: African/African-American, 0.0013%; no homozygotes.

Submission:

PreventionGenetics, part of Exact Sciences
Classification: Uncertain significance for CC2D2A-related condition. Last evaluated: 2025-01-31. Review status: criteria provided, single submitter. Criteria: ACMG Guidelines, 2015. Collection method: clinical testing. Allele origin: germline.
Comment: The CC2D2A c.4535G>A variant is predicted to result in the amino acid substitution p.Arg1512Lys. To our knowledge, this variant has not been reported in the literature or population database gnomAD. At this time, the clinical significance of this variant is uncertain due to the absence of conclusive functional and genetic evidence.